The following is an entry in ClinVar:

NM_198576.4(AGRN):c.4366C>T (p.Arg1456Cys)

Gene: AGRN (agrin; plus strand). Cytogenetic location: 1p36.33.
Variant type: single nucleotide variant.
Coding change: c.4366C>T on transcript NM_198576.4 (MANE Select); coding-DNA position 4366, C replaced by T.
Protein change: p.Arg1456Cys; replaces arginine 1456 with cysteine.
Molecular consequence: missense variant.
Genome position (GRCh38, 1-based): chr1:1,049,303, C>T. VCF-style: chr1-1049303-C-T. GRCh37 (hg19) VCF-style: chr1-984683-C-T.
Other names: c.4366C>T, p.Arg1456Cys (NM_001305275.2); c.4051C>T, p.Arg1351Cys (NM_001364727.2); short protein forms R1351C, R1456C.
Identifiers: ClinVar variation 662770 (VCV000662770.8), dbSNP rs749059305, ClinGen allele CA509440.

ClinVar aggregate classification (germline): Uncertain significance (1 of 4 stars; one submission).

Conditions:
Congenital myasthenic syndrome 8. Also called: MYASTHENIC SYNDROME, CONGENITAL, DUE TO AGRIN DEFICIENCY; Myasthenic syndrome, congenital, 8, with pre- and postsynaptic defects. Identifiers: Orphanet 590, MedGen C3808739, MONDO:0014052, OMIM 615120.

Allele frequency attached by ClinVar (database versions not stated): TOPMed below 0.00001; ExAC 0.00001.
gnomAD v4.1: 11 of 1,597,136 alleles (0.00069%); highest among the groups gnomAD compares: South Asian, 0.0044%; no homozygotes.

Submission:

Labcorp Genetics (formerly Invitae), Labcorp
Classification: Uncertain significance for Congenital myasthenic syndrome 8. Last evaluated: 2021-08-30. Review status: criteria provided, single submitter. Criteria: Invitae Variant Classification Sherloc (09022015). Collection method: clinical testing. Allele origin: germline.
Comment: This sequence change replaces arginine with cysteine at codon 1456 of the AGRN protein (p.Arg1456Cys). The arginine residue is moderately conserved and there is a large physicochemical difference between arginine and cysteine. This variant is present in population databases (rs749059305, ExAC 0.008%). This variant has not been reported in the literature in individuals affected with AGRN-related conditions. Algorithms developed to predict the effect of missense changes on protein structure and function are either unavailable or do not agree on the potential impact of this missense change (SIFT: "Deleterious"; PolyPhen-2: "Probably Damaging"; Align-GVGD: "Class C0"). In summary, the available evidence is currently insufficient to determine the role of this variant in disease. Therefore, it has been classified as a Variant of Uncertain Significance.